The following is an entry in ClinVar:

NM_000443.4(ABCB4):c.748G>A (p.Ala250Thr)

Gene: ABCB4 (ATP binding cassette subfamily B member 4; minus strand). Cytogenetic location: 7q21.12.
Variant type: single nucleotide variant.
Coding change: c.748G>A on transcript NM_000443.4 (MANE Select); coding-DNA position 748, G replaced by A.
Protein change: p.Ala250Thr; replaces alanine 250 with threonine.
Molecular consequence: missense variant.
Genome position (GRCh38, 1-based): chr7:87,450,053, C>T on the plus strand (G>A on the coding strand, the complement: ABCB4 is on the minus strand). VCF-style: chr7-87450053-C-T. GRCh37 (hg19) VCF-style: chr7-87079369-C-T.
Other names: c.748G>A, p.Ala250Thr (NM_018849.3, NM_018850.3); short protein forms A250T.
Identifiers: ClinVar variation 4846390 (VCV004846390.1).

ClinVar aggregate classification (germline): Likely pathogenic (1 of 4 stars; one submission).

Conditions:
Low phospholipid associated cholelithiasis (GBD1). Also called: Gallbladder disease 1; Gallstone cholecystitis. Identifiers: Orphanet 69663, MedGen C2609268, MONDO:0010939, OMIM 600803.

Submission:

Genomenon, Inc
Classification: Likely pathogenic for Low phospholipid associated cholelithiasis. Last evaluated: 2026-04-14. Review status: criteria provided, single submitter. Criteria: Genomenon Sequence Variant Interpretation Standards - Updated. Collection method: curation. Allele origin: germline. Affected: yes.
Comment: ABCB4 p.Ala250Thr (c.748G>A) is a missense variant that changes the amino acid at residue 250 from Alanine to Threonine. This variant has been observed in at least one proband with an ABCB4-related disorder (PMID:26153658). At least one functional study has demonstrated a substantial alteration in protein function relative to the wild-type (PMID:26153658). It is absent or not present at a significant frequency in gnomAD. In silico models predict that this variant is possibly or probably damaging. In conclusion, we classify ABCB4 p.Ala250Thr (c.748G>A) as a likely pathogenic variant.

Literature cited by the submitters: PubMed 26153658.